The following is an entry in ClinVar:

ClinVar aggregate classification (germline): Uncertain significance. Review status: criteria provided, multiple submitters, no conflicts (2 of 4 stars). 2 submissions from 2 submitters: Uncertain significance (2). Last evaluated 2024-06-24.

Conditions:
Epidermolysis bullosa simplex 7, with nephropathy and deafness. Also called: Nephrotic syndrome - deafness - pretibial epidermolysis bullosa syndrome; Nephropathy with Pretibial Epidermolysis Bullosa and Deafness. Identifiers: Orphanet 300333, MedGen C1836823, MONDO:0012190, OMIM 609057.
RAPH BLOOD GROUP SYSTEM. Also called: MER2 BLOOD CELL ANTIGEN EXPRESSION. Identifiers: MedGen C1867341, OMIM 179620.

Allele frequency attached by ClinVar (database versions not stated): gnomAD exomes below 0.00001; ExAC 0.00001; gnomAD 0.00001; TOPMed 0.00001; ESP Exome Variant Server 0.00008.
gnomAD v4.1: 7 of 1,612,352 alleles (0.00043%); highest among the groups gnomAD compares: African/African-American, 0.0027%; no homozygotes.

Submissions (2):

Fulgent Genetics
Classification: Uncertain significance for RAPH BLOOD GROUP SYSTEM; Epidermolysis bullosa simplex 7, with nephropathy and deafness. Last evaluated: 2024-06-24. Review status: criteria provided, single submitter. Criteria: ACMG Guidelines, 2015. Collection method: clinical testing. Allele origin: germline.

Labcorp Genetics (formerly Invitae), Labcorp
Classification: Uncertain significance. Last evaluated: 2023-11-20. Review status: criteria provided, single submitter. Criteria: Invitae Variant Classification Sherloc (09022015). Collection method: clinical testing. Allele origin: germline.
Comment: This sequence change replaces valine, which is neutral and non-polar, with isoleucine, which is neutral and non-polar, at codon 71 of the CD151 protein (p.Val71Ile). This variant is not present in population databases (gnomAD no frequency). This variant has not been reported in the literature in individuals affected with CD151-related conditions. An algorithm developed to predict the effect of missense changes on protein structure and function (PolyPhen-2) suggests that this variant is likely to be disruptive. In summary, the available evidence is currently insufficient to determine the role of this variant in disease. Therefore, it has been classified as a Variant of Uncertain Significance.

NM_004357.5(CD151):c.211G>A (p.Val71Ile)

Gene: CD151 (CD151 molecule (Raph blood group); plus strand). Cytogenetic location: 11p15.5.
Variant type: single nucleotide variant.
Coding change: c.211G>A on transcript NM_004357.5 (MANE Select); coding-DNA position 211, G replaced by A.
Protein change: p.Val71Ile; replaces valine 71 with isoleucine.
Molecular consequence: missense variant.
Genome position (GRCh38, 1-based): chr11:836,377, G>A. VCF-style: chr11-836377-G-A. GRCh37 (hg19) VCF-style: chr11-836377-G-A.
Other names: c.211G>A, p.Val71Ile (NM_001039490.2, NM_139029.2, NM_139030.4); short protein forms V71I.
Identifiers: ClinVar variation 2988288 (VCV002988288.4), dbSNP rs147298858, ClinGen allele CA5792093.
Genomic context (GRCh38, chr11:836,377, plus strand): 5'-CTGCTGGCCTCAGGCACCTACCTGGCCACAGCCTACATCCTGGTGGTGGCGGGCACTGTC[G>A]TCATGGTGACTGGGGTCTTGGGCTGCTGCGCCACCTTCAAGGAGCGTCGGAACCTGCTGC-3'
Protein context (NP_004348.2, residues 61-81): AYILVVAGTV[Val71Ile]MVTGVLGCCA